The following is an entry in ClinVar:

ClinVar aggregate classification (germline): Benign (1 of 4 stars; one submission).

Allele frequency attached by ClinVar (database versions not stated): gnomAD 0.64899 and 0.66158; TOPMed 0.66205; 1000 Genomes Project 30x 0.74563; 1000 Genomes Project 0.75379.
gnomAD v4.1: 100,672 of 152,160 alleles (66%); highest among the groups gnomAD compares: East Asian, 96%; 33,993 homozygotes.

Submission:

GeneDx
Classification: Benign. Last evaluated: 2018-06-14. Review status: criteria provided, single submitter. Criteria: GeneDx Variant Classification (06012015). Collection method: clinical testing. Allele origin: germline. Affected: yes.
Comment: This variant is considered likely benign or benign based on one or more of the following criteria: it is a conservative change, it occurs at a poorly conserved position in the protein, it is predicted to be benign by multiple in silico algorithms, and/or has population frequency not consistent with disease.

NM_000387.6(SLC25A20):c.418-255C>T

Gene: SLC25A20 (solute carrier family 25 member 20; minus strand). Cytogenetic location: 3p21.31.
Variant type: single nucleotide variant.
Coding change: c.418-255C>T on transcript NM_000387.6 (MANE Select); 255 bases into the intron before coding-DNA position 418, C replaced by T.
Molecular consequence: intron variant.
Genome position (GRCh38, 1-based): chr3:48,862,914, G>A on the plus strand (C>T on the coding strand, the complement: SLC25A20 is on the minus strand). VCF-style: chr3-48862914-G-A. GRCh37 (hg19) VCF-style: chr3-48900347-G-A.
Identifiers: ClinVar variation 683820 (VCV000683820.1), dbSNP rs7431857, ClinGen allele CA11404606.